The following is an entry in ClinVar:

ClinVar aggregate classification (germline): Uncertain significance (1 of 4 stars; one submission).

Conditions:
Candidiasis, familial, 6 (CANDF6). Also called: Candidiasis, familial, 6, autosomal dominant. Identifiers: Orphanet 1334, MedGen C3151405, MONDO:0013503, OMIM 613956.

Submission:

Labcorp Genetics (formerly Invitae), Labcorp
Classification: Uncertain significance for Candidiasis, familial, 6. Last evaluated: 2025-01-06. Review status: criteria provided, single submitter. Criteria: Invitae Variant Classification Sherloc (09022015). Collection method: clinical testing. Allele origin: germline.
Comment: This sequence change replaces glutamine, which is neutral and polar, with leucine, which is neutral and non-polar, at codon 42 of the IL17F protein (p.Gln42Leu). This variant is not present in population databases (gnomAD no frequency). This variant has not been reported in the literature in individuals affected with IL17F-related conditions. ClinVar contains an entry for this variant (Variation ID: 2119581). An algorithm developed to predict the effect of missense changes on protein structure and function outputs the following: PolyPhen-2: "Benign". The leucine amino acid residue is found in multiple mammalian species, which suggests that this missense change does not adversely affect protein function. In summary, the available evidence is currently insufficient to determine the role of this variant in disease. Therefore, it has been classified as a Variant of Uncertain Significance.

NM_052872.4(IL17F):c.125A>T (p.Gln42Leu)

Gene: IL17F (interleukin 17F; minus strand). Cytogenetic location: 6p12.2.
Variant type: single nucleotide variant.
Coding change: c.125A>T on transcript NM_052872.4 (MANE Select); coding-DNA position 125, A replaced by T.
Protein change: p.Gln42Leu; replaces glutamine 42 with leucine.
Molecular consequence: missense variant.
Genome position (GRCh38, 1-based): chr6:52,238,859, T>A on the plus strand (A>T on the coding strand, the complement: IL17F is on the minus strand). VCF-style: chr6-52238859-T-A. GRCh37 (hg19) VCF-style: chr6-52103657-T-A.
Other names: short protein forms Q42L.
Identifiers: ClinVar variation 2119581 (VCV002119581.4), dbSNP rs1764016998, ClinGen allele CA364445136.